The following is an entry in ClinVar:

ClinVar aggregate classification (germline): Likely benign (1 of 4 stars; one submission).

Allele frequency attached by ClinVar (database versions not stated): gnomAD exomes 0.00001; ExAC 0.00002.
gnomAD v4.1: 7 of 1,614,112 alleles (0.00043%); highest among the groups gnomAD compares: Non-Finnish European, 0.00059%; no homozygotes.

Submission:

CeGaT Center for Human Genetics Tuebingen
Classification: Likely benign. Last evaluated: 2022-04-01. Review status: criteria provided, single submitter. Criteria: CeGaT Center For Human Genetics Tuebingen Variant Classification Criteria Version 2. Collection method: clinical testing. Allele origin: germline. Affected: yes. Observed: 1 variant allele.
Comment: TRIO: BP4, BP7

NM_007118.4(TRIO):c.246A>G (p.Lys82=)

Gene: TRIO (trio Rho guanine nucleotide exchange factor; plus strand). Cytogenetic location: 5p15.2.
Variant type: single nucleotide variant.
Coding change: c.246A>G on transcript NM_007118.4 (MANE Select); coding-DNA position 246, A replaced by G.
Protein change: p.Lys82=; no amino-acid change (lysine 82 retained).
Molecular consequence: synonymous variant. On other transcripts: non-coding transcript variant (1).
Genome position (GRCh38, 1-based): chr5:14,280,335, A>G. VCF-style: chr5-14280335-A-G. GRCh37 (hg19) VCF-style: chr5-14280444-A-G.
Identifiers: ClinVar variation 1695120 (VCV001695120.31), dbSNP rs760407090, ClinGen allele CA3205377.